The following is an entry in ClinVar:

NM_177438.3(DICER1):c.1558A>G (p.Ser520Gly)

Gene: DICER1 (dicer 1, ribonuclease III; minus strand). Cytogenetic location: 14q32.13.
Variant type: single nucleotide variant.
Coding change: c.1558A>G on transcript NM_177438.3 (MANE Select); coding-DNA position 1558, A replaced by G.
Protein change: p.Ser520Gly; replaces serine 520 with glycine.
Molecular consequence: missense variant. On other transcripts: non-coding transcript variant (6), intron variant (1).
Genome position (GRCh38, 1-based): chr14:95,116,647, T>C on the plus strand (A>G on the coding strand, the complement: DICER1 is on the minus strand). VCF-style: chr14-95116647-T-C. GRCh37 (hg19) VCF-style: chr14-95582984-T-C.
Other names: c.1558A>G, p.Ser520Gly (NM_001195573.1, NM_001271282.3, NM_001291628.2 and 13 more transcripts); c.1276A>G, p.Ser426Gly (NM_001395686.1); c.1153A>G, p.Ser385Gly (NM_001395687.1, NM_001395688.1, NM_001395689.1 and 3 more transcripts); c.991A>G, p.Ser331Gly (NM_001395691.1); c.-59-67A>G (NM_001395697.1); short protein forms S426G, S331G, S385G, S520G.
Identifiers: ClinVar variation 1775193 (VCV001775193.3), dbSNP rs2543035675, ClinGen allele CA390885081.

ClinVar aggregate classification (germline): Uncertain significance. Review status: criteria provided, multiple submitters, no conflicts (2 of 4 stars). 2 submissions from 2 submitters: Uncertain significance (2). Last evaluated 2025-10-09.

Conditions:
Hereditary cancer-predisposing syndrome. Also called: Tumor predisposition; Neoplastic Syndromes, Hereditary; Hereditary Cancer Syndrome; Hereditary neoplastic syndrome. Identifiers: Orphanet 140162, MedGen C0027672, MeSH D009386, MONDO:0015356.
DICER1-related tumor predisposition. Also called: DICER1-related pleuropulmonary blastoma cancer predisposition syndrome; DICER1 syndrome. Identifiers: Orphanet 284343, MedGen C3839822, MONDO:0100216.

Submissions (2):

Labcorp Genetics (formerly Invitae), Labcorp
Classification: Uncertain significance for DICER1-related tumor predisposition. Last evaluated: 2025-10-09. Review status: criteria provided, single submitter. Criteria: Invitae Variant Classification Sherloc (09022015). Collection method: clinical testing. Allele origin: germline.
Comment: This sequence change replaces serine, which is neutral and polar, with glycine, which is neutral and non-polar, at codon 520 of the DICER1 protein (p.Ser520Gly). This variant is not present in population databases (gnomAD no frequency). This variant has not been reported in the literature in individuals affected with DICER1-related conditions. ClinVar contains an entry for this variant (Variation ID: 1775193). Invitae Evidence Modeling of protein sequence and biophysical properties (such as structural, functional, and spatial information, amino acid conservation, physicochemical variation, residue mobility, and thermodynamic stability) indicates that this missense variant is not expected to disrupt DICER1 protein function with a negative predictive value of 95%. RNA analysis performed to evaluate the impact of this missense change on mRNA splicing indicates it does not significantly alter splicing (internal data). In summary, the available evidence is currently insufficient to determine the role of this variant in disease. Therefore, it has been classified as a Variant of Uncertain Significance.

Ambry Genetics
Classification: Uncertain significance for Hereditary cancer-predisposing syndrome. Last evaluated: 2024-03-01. Review status: criteria provided, single submitter. Criteria: Ambry Variant Classification Scheme 2023. Collection method: clinical testing. Allele origin: germline.
Comment: The p.S520G variant (also known as c.1558A>G), located in coding exon 9 of the DICER1 gene, results from an A to G substitution at nucleotide position 1558. The serine at codon 520 is replaced by glycine, an amino acid with similar properties. This amino acid position is highly conserved in available vertebrate species. In addition, this alteration is predicted to be deleterious by in silico analysis. Since supporting evidence is limited at this time, the clinical significance of this alteration remains unclear.